The following is an entry in ClinVar:

ClinVar aggregate classification (germline): Benign/Likely benign. Review status: criteria provided, multiple submitters, no conflicts (2 of 4 stars). 7 submissions from 7 submitters: Benign (1); Likely benign (5). 1 of the submissions does not count toward it. Last evaluated 2024-11-27.

Conditions:
Hereditary cancer-predisposing syndrome. Also called: Neoplastic Syndromes, Hereditary; Hereditary Cancer Syndrome; Tumor predisposition; Hereditary neoplastic syndrome. Identifiers: Orphanet 140162, MedGen C0027672, MeSH D009386, MONDO:0015356.
Hereditary pheochromocytoma and paraganglioma. Also called: Hereditary Paraganglioma-Pheochromocytoma Syndromes; Hereditary pheochromocytoma-paraganglioma; Hereditary paragangliomas and pheochromocytomas. Identifiers: Orphanet 29072, MedGen C4274332, MONDO:0017366.

Allele frequency attached by ClinVar (database versions not stated): ESP Exome Variant Server 0.00638; gnomAD exomes 0.00791 and 0.00511; 1000 Genomes Project 30x 0.00203; 1000 Genomes Project 0.00220; ExAC 0.00535; gnomAD 0.00570 and 0.00617; TOPMed 0.00603.
gnomAD v4.1: 12,352 of 1,614,080 alleles (0.77%); highest among the groups gnomAD compares: Non-Finnish European, 0.96%; 62 homozygotes.

Submissions (7):

Blueprint Genetics
Classification: Likely benign. Last evaluated: 2024-11-27. Review status: criteria provided, single submitter. Criteria: ACMG Guidelines, 2015. Collection method: clinical testing. Allele origin: germline.

Genetic Services Laboratory, University of Chicago
Classification: Benign. Last evaluated: 2019-06-24. Review status: criteria provided, single submitter. Criteria: ACMG Guidelines, 2015. Collection method: clinical testing. Allele origin: germline. Affected: no.

Illumina Laboratory Services, Illumina
Classification: Likely benign for Hereditary Paraganglioma-Pheochromocytoma Syndromes. Last evaluated: 2018-03-30. Review status: criteria provided, single submitter. Criteria: ICSL Variant Classification Criteria 13 December 2019. Collection method: clinical testing. Allele origin: germline.
Comment: This variant was observed as part of a predisposition screen in an ostensibly healthy population. A literature search was performed for the gene, cDNA change, and amino acid change (where applicable). Publications were found based on this search. The evidence from the literature, in combination with allele frequency data from public databases where available, was sufficient to determine this variant is unlikely to cause disease. Therefore, this variant is classified as likely benign.

GeneDx
Classification: Likely benign. Last evaluated: 2017-10-17. Review status: criteria provided, single submitter. Criteria: GeneDx Variant Classification (06012015). Collection method: clinical testing. Allele origin: germline. Affected: yes.
Comment: This variant is considered likely benign or benign based on one or more of the following criteria: it is a conservative change, it occurs at a poorly conserved position in the protein, it is predicted to be benign by multiple in silico algorithms, and/or has population frequency not consistent with disease.

Ambry Genetics
Classification: Likely benign for Hereditary cancer-predisposing syndrome. Last evaluated: 2015-04-20. Review status: criteria provided, single submitter. Criteria: Ambry Variant Classification Scheme 2023. Collection method: clinical testing. Allele origin: germline.

Breakthrough Genomics
Classification: Likely benign. Review status: criteria provided, single submitter. Criteria: ACMG Guidelines, 2015. Collection method: not provided. Allele origin: germline. Inheritance: Autosomal dominant inheritance. Affected: yes.

OMIM
Classification: Uncertain significance for VARIANT OF UNKNOWN SIGNIFICANCE. Last evaluated: 2014-07-01. Review status: no assertion criteria provided. Collection method: literature only. Allele origin: germline. Not counted in ClinVar's aggregate classification.

Literature cited by the submitters: PubMed 20071235 (cited by Illumina Laboratory Services, Illumina); PubMed 24712571 (cited by OMIM).

NM_017841.4(SDHAF2):c.*12C>T

Gene: SDHAF2 (succinate dehydrogenase complex assembly factor 2; plus strand). Cytogenetic location: 11q12.2.
Variant type: single nucleotide variant.
Coding change: c.*12C>T on transcript NM_017841.4 (MANE Select); 12 bases downstream of the stop codon, C replaced by T.
Molecular consequence: 3 prime UTR variant.
Genome position (GRCh38, 1-based): chr11:61,446,083, C>T. VCF-style: chr11-61446083-C-T. GRCh37 (hg19) VCF-style: chr11-61213555-C-T.
Other names: 12C-T.
Identifiers: ClinVar variation 139651 (VCV000139651.13), dbSNP rs113652589, ClinGen allele CA057775.